The following is an entry in ClinVar:

ClinVar aggregate classification (germline): Uncertain significance (1 of 4 stars; one submission).

Conditions:
SLMAP-related disorder. Also called: SLMAP-related condition.

Submission:

PreventionGenetics, part of Exact Sciences
Classification: Uncertain significance for SLMAP-related condition. Last evaluated: 2025-11-18. Review status: criteria provided, single submitter. Criteria: ACMG Guidelines, 2015. Collection method: clinical testing. Allele origin: germline.
Comment: The SLMAP c.535G>A variant is predicted to result in the amino acid substitution p.Glu179Lys. To our knowledge, this variant has not been reported in the literature or in a large population database (gnomAD), indicating this variant is rare. At this time, the clinical significance of this variant is uncertain due to the absence of conclusive functional and genetic evidence.

NM_001377540.1(SLMAP):c.535G>A (p.Glu179Lys)

Gene: SLMAP (sarcolemma associated protein; plus strand). Cytogenetic location: 3p14.3.
Variant type: single nucleotide variant.
Coding change: c.535G>A on transcript NM_001377540.1 (MANE Select); coding-DNA position 535, G replaced by A.
Protein change: p.Glu179Lys; replaces glutamic acid 179 with lysine.
Molecular consequence: missense variant. On other transcripts: non-coding transcript variant (1).
Genome position (GRCh38, 1-based): chr3:57,857,748, G>A. VCF-style: chr3-57857748-G-A. GRCh37 (hg19) VCF-style: chr3-57843475-G-A.
Other names: c.535G>A, p.Glu179Lys (NM_001377541.1, NM_001377542.1, NM_001377545.1 and 17 more transcripts); short protein forms E179K.
Identifiers: ClinVar variation 2630206 (VCV002630206.2), dbSNP rs2473214782, ClinGen allele CA353406596.